The following is an entry in ClinVar:

ClinVar aggregate classification (germline): Uncertain significance. Review status: criteria provided, multiple submitters, no conflicts (2 of 4 stars). 3 submissions from 3 submitters: Uncertain significance (3). Last evaluated 2025-12-16.

Conditions:
Inborn genetic diseases. Identifiers: MedGen C0950123, MeSH D030342.
Holocarboxylase synthetase deficiency. Also called: MULTIPLE CARBOXYLASE DEFICIENCY, EARLY ONSET. Identifiers: Orphanet 79242, MedGen C0268581, MONDO:0009666, OMIM 253270.

Allele frequency attached by ClinVar (database versions not stated): TOPMed below 0.00001.

Submissions (3):

Ambry Genetics
Classification: Uncertain significance for Inborn genetic diseases. Last evaluated: 2025-12-16. Review status: criteria provided, single submitter. Criteria: Ambry Variant Classification Scheme 2023. Collection method: clinical testing. Allele origin: germline.

Fulgent Genetics
Classification: Uncertain significance for Holocarboxylase synthetase deficiency. Last evaluated: 2024-01-05. Review status: criteria provided, single submitter. Criteria: ACMG Guidelines, 2015. Collection method: clinical testing. Allele origin: germline.

Labcorp Genetics (formerly Invitae), Labcorp
Classification: Uncertain significance for Holocarboxylase synthetase deficiency. Last evaluated: 2022-08-22. Review status: criteria provided, single submitter. Criteria: Invitae Variant Classification Sherloc (09022015). Collection method: clinical testing. Allele origin: germline.
Comment: In summary, the available evidence is currently insufficient to determine the role of this variant in disease. Therefore, it has been classified as a Variant of Uncertain Significance. Advanced modeling of protein sequence and biophysical properties (such as structural, functional, and spatial information, amino acid conservation, physicochemical variation, residue mobility, and thermodynamic stability) performed at Invitae indicates that this missense variant is not expected to disrupt HLCS protein function. This variant has not been reported in the literature in individuals affected with HLCS-related conditions. This variant is not present in population databases (gnomAD no frequency). This sequence change replaces leucine, which is neutral and non-polar, with valine, which is neutral and non-polar, at codon 636 of the HLCS protein (p.Leu636Val).

NM_001352514.2(HLCS):c.2347C>G (p.Leu783Val)

Gene: HLCS (holocarboxylase synthetase; minus strand). Cytogenetic location: 21q22.13.
Variant type: single nucleotide variant.
Coding change: c.2347C>G on transcript NM_001352514.2 (MANE Select); coding-DNA position 2347, C replaced by G.
Protein change: p.Leu783Val; replaces leucine 783 with valine.
Molecular consequence: missense variant. On other transcripts: non-coding transcript variant (2).
Genome position (GRCh38, 1-based): chr21:36,756,645, G>C on the plus strand (C>G on the coding strand, the complement: HLCS is on the minus strand). VCF-style: chr21-36756645-G-C. GRCh37 (hg19) VCF-style: chr21-38128946-G-C.
Other names: c.1906C>G, p.Leu636Val (NM_000411.8, NM_001242784.3, NM_001242785.2 and 4 more transcripts); c.1906C>G (NM_000411.6); short protein forms L636V, L783V.
Identifiers: ClinVar variation 1979557 (VCV001979557.6), dbSNP rs2089611303, ClinGen allele CA409919127.
Genomic context (GRCh38, chr21:36,756,645, plus strand): 5'-GCCCTTTGTCCTGAAACTCTTTGATCAGTTTCTCCAGCACAGTCACGACTCTGGCGATGA[G>C]ATAATCGGCTCTTAAGGGCTTCAGTTCTGCCTTGTGTTGTTTATTGTATTCTGTGATGAG-3'
Protein context (NP_001339443.1, residues 773-793): AELKPLRADY[Leu783Val]IARVVTVLEK